The following is an entry in ClinVar:

ClinVar aggregate classification (germline): Uncertain significance (1 of 4 stars; one submission).

Conditions:
Leigh syndrome (NULS). Also called: Leigh's necrotizing encephalopathy; Leigh's disease; Leigh Syndrome (mtDNA deletion); Leigh Disease; Subacute necrotizing encephalopathy; Necrotizing encephalopathy infantile subacute of Leigh. Identifiers: Orphanet 506, MedGen C2931891, MONDO:0009723, OMIM 256000.

Submission:

Wong Mito Lab, Molecular and Human Genetics, Baylor College of Medicine
Classification: Uncertain significance for Leigh syndrome. Last evaluated: 2019-10-17. Review status: criteria provided, single submitter. Criteria: Modified ACMG Guidelines (Unpublished). Collection method: clinical testing. Allele origin: germline.
Comment: The NC_012920.1:m.9342G>A (YP_003024032.1:p.Gly46Ser) variant in MTCO3 gene is interpretated to be a Uncertain Significance variant based on the modified ACMG guidelines (unpublished). This variant meets the following evidence codes: BP4

NC_012920.1(MT-CO3):m.9342G>A

Gene: MT-CO3 (mitochondrially encoded cytochrome c oxidase III; plus strand).
Variant type: single nucleotide variant.
Genome position: chrM-9342-G-A.
Identifiers: ClinVar variation 693154 (VCV000693154.1), dbSNP rs28672157, ClinGen allele CA337098335.